The following is an entry in ClinVar:

NM_001166108.2(PALLD):c.1965-13002C>G

Gene: PALLD (palladin, cytoskeletal associated protein; plus strand). Cytogenetic location: 4q32.3.
Variant type: single nucleotide variant.
Coding change: c.1965-13002C>G on transcript NM_001166108.2 (MANE Select); 13002 bases into the intron before coding-DNA position 1965, C replaced by G.
Molecular consequence: intron variant. On other transcripts: missense variant (1).
Genome position (GRCh38, 1-based): chr4:168,877,920, C>G. VCF-style: chr4-168877920-C-G. GRCh37 (hg19) VCF-style: chr4-169799071-C-G.
Other names: c.29C>G, p.Pro10Arg (NM_001166110.2); c.1965-13002C>G (NM_016081.4); c.819-13002C>G (NM_001166109.2); c.-157-13002C>G (NM_001367570.1, NM_001367568.1, NM_001367567.1 and 1 more transcripts); short protein forms P10R.
Identifiers: ClinVar variation 3927520 (VCV003927520.1).

ClinVar aggregate classification (germline): Uncertain significance (1 of 4 stars; one submission).

gnomAD v4.1: 2 of 1,485,844 alleles (0.00013%); highest among the groups gnomAD compares: Non-Finnish European, 0.000089%; no homozygotes.

Submission:

Ambry Genetics
Classification: Uncertain significance. Last evaluated: 2025-03-31. Review status: criteria provided, single submitter. Criteria: Ambry Variant Classification Scheme 2023. Collection method: clinical testing. Allele origin: germline.
Comment: The p.P10R variant (also known as c.29C>G), located in coding exon 1 of the PALLD gene, results from a C to G substitution at nucleotide position 29. The proline at codon 10 is replaced by arginine, an amino acid with dissimilar properties. This amino acid position is conserved. In addition, this alteration is predicted to be tolerated by in silico analysis. Based on the available evidence, the clinical significance of this variant remains unclear.